The following is an entry in ClinVar:

NM_005445.4(SMC3):c.2056GAA[2] (p.Glu688del)

Gene: SMC3 (structural maintenance of chromosomes 3; plus strand). Cytogenetic location: 10q25.2.
Variant type: Microsatellite.
Coding change: c.2056GAA[2] on transcript NM_005445.4 (MANE Select); two copies in a row of the 3-base unit GAA starting at c.2056; the reference has three copies in a row; one copy, 3 bases deleted.
Protein change: p.Glu688del; deletes glutamic acid 688.
Molecular consequence: inframe deletion.
Genome position (GRCh38, 1-based): chr10:110,596,496-110,596,498, GAA deleted; deleting any 3 consecutive bases within chr10:110,596,489-110,596,498 gives the same sequence; the position shown is the placement nearest the transcript's 3' end. VCF-style (leftmost placement, unchanged base first): chr10-110596488-CAGA-C. GRCh37 (hg19) VCF-style: chr10-112356246-CAGA-C.
Other names: c.2062_2064delGAA (NM_005445.4, NM_005445.3); short protein forms E688del.
Identifiers: ClinVar variation 983059 (VCV000983059.10), dbSNP rs755507236, ClinGen allele CA5688099.

ClinVar aggregate classification (germline): Conflicting classifications of pathogenicity. Review status: criteria provided, conflicting classifications (1 of 4 stars). 5 submissions from 5 submitters: Uncertain significance (2); Benign (1); Likely benign (2). Last evaluated 2025-03-28.

Conditions:
Inborn genetic diseases. Identifiers: MedGen C0950123, MeSH D030342.
Cornelia de Lange syndrome 3 (CDLS3). Also called: CORNELIA DE LANGE SYNDROME 3 WITH OR WITHOUT MIDLINE BRAIN DEFECTS; SMC3-Related Cornelia de Lange Syndrome. Identifiers: Orphanet 199, MedGen C1853099, MONDO:0012555, OMIM 610759.

Submissions (5):

Women's Health and Genetics/Laboratory Corporation of America, LabCorp
Classification: Uncertain significance. Last evaluated: 2025-03-28. Review status: criteria provided, single submitter. Criteria: LabCorp Variant Classification Summary - May 2015. Collection method: clinical testing. Allele origin: germline.
Comment: Variant summary: SMC3 c.2062_2064delGAA (p.Glu688del) results in an in-frame deletion that is predicted to remove one amino acids from the encoded protein. The variant allele was found at a frequency of 0.00012 in 251206 control chromosomes, predominantly at a frequency of 0.00016 within the Non-Finnish European subpopulation in the gnomAD database. This frequency is not significantly higher than estimated for a pathogenic variant in SMC3 causing Cornelia De Lange Syndrome 3, allowing no conclusion about variant significance. c.2062_2064delGAA has been reported in the literature in at least one individual affected with autism (Zhou_2022). These report(s) do not provide unequivocal conclusions about association of the variant with Cornelia De Lange Syndrome 3. To our knowledge, no experimental evidence demonstrating an impact on protein function has been reported. The following publications have been ascertained in the context of this evaluation (PMID: 35982159). ClinVar contains an entry for this variant (Variation ID: 983059). Based on the evidence outlined above, the variant was classified as uncertain significance.

Blueprint Genetics
Classification: Likely benign. Last evaluated: 2024-10-14. Review status: criteria provided, single submitter. Criteria: ACMG Guidelines, 2015. Collection method: clinical testing. Allele origin: germline.

Labcorp Genetics (formerly Invitae), Labcorp
Classification: Uncertain significance for Cornelia de Lange syndrome 3. Last evaluated: 2024-05-15. Review status: criteria provided, single submitter. Criteria: Invitae Variant Classification Sherloc (09022015). Collection method: clinical testing. Allele origin: germline.
Comment: This variant, c.2062_2064del, results in the deletion of 1 amino acid(s) of the SMC3 protein (p.Glu688del), but otherwise preserves the integrity of the reading frame. This variant is present in population databases (rs755507236, gnomAD 0.06%), and has an allele count higher than expected for a pathogenic variant. This variant has not been reported in the literature in individuals affected with SMC3-related conditions. ClinVar contains an entry for this variant (Variation ID: 983059). Experimental studies and prediction algorithms are not available or were not evaluated, and the functional significance of this variant is currently unknown. In summary, the available evidence is currently insufficient to determine the role of this variant in disease. Therefore, it has been classified as a Variant of Uncertain Significance.

Institute of Human Genetics, University of Leipzig Medical Center
Classification: Likely benign for Cornelia de Lange syndrome 3. Last evaluated: 2019-01-01. Review status: criteria provided, single submitter. Criteria: ACMG Guidelines, 2015. Collection method: clinical testing. Allele origin: unknown. Affected: yes.

Ambry Genetics
Classification: Benign for Inborn genetic diseases. Last evaluated: 2018-11-28. Review status: criteria provided, single submitter. Criteria: Ambry Variant Classification Scheme 2023. Collection method: clinical testing. Allele origin: germline.

Literature cited by the submitters: PubMed 26438361 (cited by Women's Health and Genetics/Laboratory Corporation of America, LabCorp); PubMed 22417201 (cited by Women's Health and Genetics/Laboratory Corporation of America, LabCorp); PubMed 24220272 (cited by Women's Health and Genetics/Laboratory Corporation of America, LabCorp); PubMed 24487413 (cited by Women's Health and Genetics/Laboratory Corporation of America, LabCorp); PubMed 24904756 (cited by Women's Health and Genetics/Laboratory Corporation of America, LabCorp); PubMed 24335498 (cited by Women's Health and Genetics/Laboratory Corporation of America, LabCorp); PubMed 25006131 (cited by Women's Health and Genetics/Laboratory Corporation of America, LabCorp); PubMed 35982159 (cited by Women's Health and Genetics/Laboratory Corporation of America, LabCorp).